The following is an entry in ClinVar:

ClinVar aggregate classification (germline): Uncertain significance. Review status: criteria provided, multiple submitters, no conflicts (2 of 4 stars). 4 submissions from 4 submitters: Uncertain significance (4). Last evaluated 2025-08-11.

Conditions:
Inborn genetic diseases. Identifiers: MedGen C0950123, MeSH D030342.
Jalili syndrome. Also called: CONE-ROD DYSTROPHY AND AMELOGENESIS IMPERFECTA. Identifiers: Orphanet 1873, MedGen C3495589, MONDO:0009007, OMIM 217080.

Allele frequency attached by ClinVar (database versions not stated): gnomAD exomes 0.00005 and 0.00014; ExAC 0.00010; gnomAD 0.00052 and 0.00054; TOPMed 0.00058; ESP Exome Variant Server 0.00062; 1000 Genomes Project 0.00080; 1000 Genomes Project 30x 0.00109.
gnomAD v4.1: 164 of 1,612,898 alleles (0.01%); highest among the groups gnomAD compares: African/African-American, 0.17%; no homozygotes.

Submissions (4):

Ambry Genetics
Classification: Uncertain significance for Inborn genetic diseases. Last evaluated: 2025-08-11. Review status: criteria provided, single submitter. Criteria: Ambry Variant Classification Scheme 2023. Collection method: clinical testing. Allele origin: germline.

Blueprint Genetics
Classification: Uncertain significance. Last evaluated: 2024-04-29. Review status: criteria provided, single submitter. Criteria: ACMG Guidelines, 2015. Collection method: clinical testing. Allele origin: germline.

Labcorp Genetics (formerly Invitae), Labcorp
Classification: Uncertain significance. Last evaluated: 2022-09-01. Review status: criteria provided, single submitter. Criteria: Invitae Variant Classification Sherloc (09022015). Collection method: clinical testing. Allele origin: germline.
Comment: This sequence change replaces asparagine, which is neutral and polar, with serine, which is neutral and polar, at codon 263 of the CNNM4 protein (p.Asn263Ser). This variant is present in population databases (rs150269409, gnomAD 0.1%). This variant has not been reported in the literature in individuals affected with CNNM4-related conditions. ClinVar contains an entry for this variant (Variation ID: 337584). Algorithms developed to predict the effect of missense changes on protein structure and function (SIFT, PolyPhen-2, Align-GVGD) all suggest that this variant is likely to be tolerated. Algorithms developed to predict the effect of sequence changes on RNA splicing suggest that this variant may create or strengthen a splice site. In summary, the available evidence is currently insufficient to determine the role of this variant in disease. Therefore, it has been classified as a Variant of Uncertain Significance.

Illumina Laboratory Services, Illumina
Classification: Uncertain significance for Jalili syndrome. Last evaluated: 2018-01-13. Review status: criteria provided, single submitter. Criteria: ICSL Variant Classification Criteria 13 December 2019. Collection method: clinical testing. Allele origin: germline.

NM_020184.4(CNNM4):c.788A>G (p.Asn263Ser)

Gene: CNNM4 (cyclin and CBS domain divalent metal cation transport mediator 4; plus strand). Cytogenetic location: 2q11.2.
Variant type: single nucleotide variant.
Coding change: c.788A>G on transcript NM_020184.4 (MANE Select); coding-DNA position 788, A replaced by G.
Protein change: p.Asn263Ser; replaces asparagine 263 with serine.
Molecular consequence: missense variant.
Genome position (GRCh38, 1-based): chr2:96,761,787, A>G. VCF-style: chr2-96761787-A-G. GRCh37 (hg19) VCF-style: chr2-97427524-A-G.
Other names: short protein forms N263S.
Identifiers: ClinVar variation 337584 (VCV000337584.11), dbSNP rs150269409, ClinGen allele CA1783261.